The following is an entry in ClinVar:

NM_002691.4(POLD1):c.2893C>T (p.Pro965Ser)

Gene: POLD1 (DNA polymerase delta 1, catalytic subunit; plus strand). Cytogenetic location: 19q13.33.
Variant type: single nucleotide variant.
Coding change: c.2893C>T on transcript NM_002691.4 (MANE Select); coding-DNA position 2893, C replaced by T.
Protein change: p.Pro965Ser; replaces proline 965 with serine.
Molecular consequence: missense variant. On other transcripts: non-coding transcript variant (1).
Genome position (GRCh38, 1-based): chr19:50,416,468, C>T. VCF-style: chr19-50416468-C-T. GRCh37 (hg19) VCF-style: chr19-50919725-C-T.
Other names: c.2893C>T, p.Pro965Ser (NM_001256849.1); c.2971C>T, p.Pro991Ser (NM_001308632.1); short protein forms P991S, P965S.
Identifiers: ClinVar variation 2625400 (VCV002625400.2), dbSNP rs2122491336, ClinGen allele CA406986483.
Genomic context (GRCh38, chr19:50,416,468, plus strand): 5'-GTGCTGGAGCACAGCCTGCCCATTGACACGCAGTACTACCTGGAGCAGCAGCTGGCCAAG[C>T]CCCTCCTGCGCATCTTCGAGCCCATCCTGGGCGAGGGCCGTGCCGAGGCTGTGCTACTGC-3'
Protein context (NP_002682.2, residues 955-975): QYYLEQQLAK[Pro965Ser]LLRIFEPILG

ClinVar aggregate classification (germline): Uncertain significance (1 of 4 stars; one submission).

Conditions:
Hereditary cancer-predisposing syndrome. Also called: Tumor predisposition; Hereditary Cancer Syndrome; Hereditary neoplastic syndrome; Neoplastic Syndromes, Hereditary. Identifiers: Orphanet 140162, MedGen C0027672, MeSH D009386, MONDO:0015356.

Submission:

Ambry Genetics
Classification: Uncertain significance for Hereditary cancer-predisposing syndrome. Last evaluated: 2023-07-27. Review status: criteria provided, single submitter. Criteria: Ambry Variant Classification Scheme 2023. Collection method: clinical testing. Allele origin: germline.
Comment: The p.P965S variant (also known as c.2893C>T), located in coding exon 22 of the POLD1 gene, results from a C to T substitution at nucleotide position 2893. The proline at codon 965 is replaced by serine, an amino acid with similar properties. This amino acid position is conserved. In addition, the in silico prediction for this alteration is inconclusive. Since supporting evidence is limited at this time, the clinical significance of this alteration remains unclear.